The following is an entry in ClinVar:

ClinVar aggregate classification (germline): Uncertain significance (1 of 4 stars; one submission).

gnomAD v4.1: 1 of 1,613,988 alleles (0.000062%); highest among the groups gnomAD compares: Non-Finnish European, 0.000085%; no homozygotes.

Submission:

Labcorp Genetics (formerly Invitae), Labcorp
Classification: Uncertain significance. Last evaluated: 2021-06-05. Review status: criteria provided, single submitter. Criteria: Invitae Variant Classification Sherloc (09022015). Collection method: clinical testing. Allele origin: germline.
Comment: Algorithms developed to predict the effect of missense changes on protein structure and function (SIFT, PolyPhen-2, Align-GVGD) all suggest that this variant is likely to be tolerated, but these predictions have not been confirmed by published functional studies and their clinical significance is uncertain. This sequence change replaces arginine with methionine at codon 187 of the KIAA1549 protein (p.Arg187Met). The arginine residue is weakly conserved and there is a moderate physicochemical difference between arginine and methionine. This variant is not present in population databases (ExAC no frequency). This variant has not been reported in the literature in individuals with KIAA1549-related conditions. In summary, the available evidence is currently insufficient to determine the role of this variant in disease. Therefore, it has been classified as a Variant of Uncertain Significance.

NM_001164665.2(KIAA1549):c.560G>T (p.Arg187Met)

Gene: KIAA1549 (KIAA1549; minus strand). Cytogenetic location: 7q34.
Variant type: single nucleotide variant.
Coding change: c.560G>T on transcript NM_001164665.2 (MANE Select); coding-DNA position 560, G replaced by T.
Protein change: p.Arg187Met; replaces arginine 187 with methionine.
Molecular consequence: missense variant.
Genome position (GRCh38, 1-based): chr7:138,919,066, C>A on the plus strand (G>T on the coding strand, the complement: KIAA1549 is on the minus strand). VCF-style: chr7-138919066-C-A. GRCh37 (hg19) VCF-style: chr7-138603812-C-A.
Other names: c.560G>T, p.Arg187Met (NM_020910.3); short protein forms R187M.
Identifiers: ClinVar variation 1481270 (VCV001481270.8), dbSNP rs762823216, ClinGen allele CA369402751.
Genomic context (GRCh38, chr7:138,919,066, plus strand): 5'-TCTTCATCTTGTAAAGAAACCATGGGTAATGATGGAGTGAGCATAGGTTCTAATGCTTCC[C>A]TGGGCAGCCCTGGTGGGCTGACTGTGATATACTGTATTGGAGAAACCATCCGTGGAGTGG-3'
Protein context (NP_001158137.1, residues 177-197): YITVSPPGLP[Arg187Met]EALEPMLTPS